The following is an entry in ClinVar:

ClinVar aggregate classification (germline): Pathogenic/Likely pathogenic. Review status: criteria provided, multiple submitters, no conflicts (2 of 4 stars). 2 submissions from 2 submitters: Pathogenic (1); Likely pathogenic (1). Last evaluated 2024-03-01.

Conditions:
Glycogen storage disease, type II (IOPD). Also called: GAA DEFICIENCY, INFANTILE-ONSET; ACID MALTASE DEFICIENCY, INFANTILE-ONSET; POMPE DISEASE, INFANTILE-ONSET; Pompe Disease; CARDIOMEGALIA GLYCOGENICA DIFFUSA; GLYCOGENOSIS, GENERALIZED, CARDIAC FORM. Identifiers: Orphanet 365, MedGen C0017921, MONDO:0009290, OMIM 232300.

Submissions (2):

Baylor Genetics
Classification: Likely pathogenic for Glycogen storage disease, type II. Last evaluated: 2024-03-01. Review status: criteria provided, single submitter. Criteria: ACMG Guidelines, 2015. Collection method: clinical testing. Allele origin: unknown.

Labcorp Genetics (formerly Invitae), Labcorp
Classification: Pathogenic for Glycogen storage disease, type II. Last evaluated: 2022-06-29. Review status: criteria provided, single submitter. Criteria: Invitae Variant Classification Sherloc (09022015). Collection method: clinical testing. Allele origin: germline.
Comment: For these reasons, this variant has been classified as Pathogenic. This variant has not been reported in the literature in individuals affected with GAA-related conditions. This variant is not present in population databases (gnomAD no frequency). This sequence change creates a premature translational stop signal (p.Phe603Leufs*93) in the GAA gene. It is expected to result in an absent or disrupted protein product. Loss-of-function variants in GAA are known to be pathogenic (PMID: 18425781, 22252923).

Literature cited by the submitters: PubMed 18425781 (cited by Labcorp Genetics (formerly Invitae), Labcorp); PubMed 22252923 (cited by Labcorp Genetics (formerly Invitae), Labcorp).

NM_000152.5(GAA):c.1809del (p.Phe603fs)

Gene: GAA (alpha glucosidase; plus strand). Cytogenetic location: 17q25.3.
Variant type: Deletion.
Coding change: c.1809del on transcript NM_000152.5 (MANE Select); coding-DNA position 1809, one base deleted (T; older notation c.1809delT).
Protein change: p.Phe603fs; shifts the reading frame from phenylalanine 603.
Molecular consequence: frameshift variant.
Genome position (GRCh38, 1-based): chr17:80,112,632, T deleted; the last of 3 consecutive T bases (chr17:80,112,630-80,112,632); deleting any one gives the same sequence. VCF-style (leftmost placement, unchanged base first): chr17-80112629-CT-C. GRCh37 (hg19) VCF-style: chr17-78086428-CT-C.
Other names: c.1809del, p.Phe603fs (NM_001079803.3, NM_001079804.3); short protein forms F603fs.
Identifiers: ClinVar variation 1451786 (VCV001451786.7), dbSNP rs2143888280, ClinGen allele CA2573154983.